The following is an entry in ClinVar:

ClinVar aggregate classification (germline): Likely benign. Review status: criteria provided, single submitter (1 of 4 stars). 2 submissions from 2 submitters: Likely benign (1). 1 of the submissions does not count toward it. Last evaluated 2022-02-01.

Conditions:
FGFR3-related disorder. Also called: FGFR3-related disorders.

Allele frequency attached by ClinVar (database versions not stated): TOPMed 0.00003; gnomAD 0.00002; ExAC 0.00003.
gnomAD v4.1: 10 of 1,611,700 alleles (0.00062%); highest among the groups gnomAD compares: African/African-American, 0.008%; no homozygotes.

Submissions (2):

Labcorp Genetics (formerly Invitae), Labcorp
Classification: Likely benign. Last evaluated: 2022-02-01. Review status: criteria provided, single submitter. Criteria: Invitae Variant Classification Sherloc (09022015). Collection method: clinical testing. Allele origin: germline.

PreventionGenetics, part of Exact Sciences
Classification: Likely benign for FGFR3-related condition. Last evaluated: 2024-06-16. Review status: no assertion criteria provided. Collection method: clinical testing. Allele origin: germline. Not counted in ClinVar's aggregate classification.
Comment: This variant is classified as likely benign based on ACMG/AMP sequence variant interpretation guidelines (Richards et al. 2015 PMID: 25741868, with internal and published modifications).

NM_000142.5(FGFR3):c.2220C>T (p.Thr740=)

Gene: FGFR3 (fibroblast growth factor receptor 3; plus strand). Cytogenetic location: 4p16.3.
Variant type: single nucleotide variant.
Coding change: c.2220C>T on transcript NM_000142.5 (MANE Select); coding-DNA position 2220, C replaced by T.
Protein change: p.Thr740=; no amino-acid change (threonine 740 retained).
Molecular consequence: synonymous variant. On other transcripts: missense variant (1), non-coding transcript variant (1).
Genome position (GRCh38, 1-based): chr4:1,806,880, C>T. VCF-style: chr4-1806880-C-T. GRCh37 (hg19) VCF-style: chr4-1808607-C-T.
Other names: c.2152C>T (NM_001354810.1); c.2226C>T, p.Thr742= (NM_001163213.2); c.2223C>T, p.Thr741= (NM_001354809.2); c.2152C>T, p.Leu718Phe (NM_001354810.2); c.1884C>T, p.Thr628= (NM_022965.4); short protein forms L718F.
Identifiers: ClinVar variation 2160734 (VCV002160734.5), dbSNP rs761006469, ClinGen allele CA2810779.